The following is an entry in ClinVar:

NM_000117.3(EMD):c.619C>T (p.Arg207Trp)

Gene: EMD (emerin; plus strand). Cytogenetic location: Xq28.
Variant type: single nucleotide variant.
Coding change: c.619C>T on transcript NM_000117.3 (MANE Select); coding-DNA position 619, C replaced by T.
Protein change: p.Arg207Trp; replaces arginine 207 with tryptophan.
Molecular consequence: missense variant.
Genome position (GRCh38, 1-based): chrX:154,381,051, C>T. VCF-style: chrX-154381051-C-T. GRCh37 (hg19) VCF-style: chrX-153609411-C-T.
Other names: short protein forms R207W.
Identifiers: ClinVar variation 1306115 (VCV001306115.7), dbSNP rs2067885563, ClinGen allele CA415259033.

ClinVar aggregate classification (germline): Uncertain significance. Review status: criteria provided, multiple submitters, no conflicts (2 of 4 stars). 2 submissions from 2 submitters: Uncertain significance (2). Last evaluated 2025-03-05.

Conditions:
X-linked Emery-Dreifuss muscular dystrophy. Also called: Muscular dystrophy, tardive Emery-Dreifuss type, with contractures. Identifiers: Orphanet 261, Orphanet 98863, MedGen C0751337, MONDO:0010680.

Allele frequency attached by ClinVar (database versions not stated): gnomAD exomes below 0.00001; gnomAD 0.00001.

Submissions (2):

Labcorp Genetics (formerly Invitae), Labcorp
Classification: Uncertain significance for X-linked Emery-Dreifuss muscular dystrophy. Last evaluated: 2025-03-05. Review status: criteria provided, single submitter. Criteria: Invitae Variant Classification Sherloc (09022015). Collection method: clinical testing. Allele origin: germline.
Comment: This sequence change replaces arginine, which is basic and polar, with tryptophan, which is neutral and slightly polar, at codon 207 of the EMD protein (p.Arg207Trp). This variant is not present in population databases (gnomAD no frequency). This variant has not been reported in the literature in individuals affected with EMD-related conditions. ClinVar contains an entry for this variant (Variation ID: 1306115). Invitae Evidence Modeling of protein sequence and biophysical properties (such as structural, functional, and spatial information, amino acid conservation, physicochemical variation, residue mobility, and thermodynamic stability) indicates that this missense variant is expected to disrupt EMD protein function with a positive predictive value of 80%. In summary, the available evidence is currently insufficient to determine the role of this variant in disease. Therefore, it has been classified as a Variant of Uncertain Significance.

GeneDx
Classification: Uncertain significance. Last evaluated: 2020-01-23. Review status: criteria provided, single submitter. Criteria: GeneDx Variant Classification Process June 2021. Collection method: clinical testing. Allele origin: germline. Affected: yes.
Comment: Has not been previously published as pathogenic or benign to our knowledge; Not observed in large population cohorts (Lek et al., 2016); In silico analysis, which includes protein predictors and evolutionary conservation, supports a deleterious effect